The following is an entry in ClinVar:

ClinVar aggregate classification (germline): Pathogenic/Likely pathogenic. Review status: criteria provided, multiple submitters, no conflicts (2 of 4 stars). 7 submissions from 7 submitters: Pathogenic (5); Likely pathogenic (2). Last evaluated 2026-08-10.

Conditions:
NF1-related disorder. Also called: NF1-related condition. Identifiers: MedGen CN379171.
Hereditary cancer-predisposing syndrome. Also called: Tumor predisposition; Hereditary neoplastic syndrome; Neoplastic Syndromes, Hereditary; Hereditary Cancer Syndrome. Identifiers: Orphanet 140162, MedGen C0027672, MeSH D009386, MONDO:0015356.
Cardiovascular phenotype. Identifiers: MedGen CN230736.
Neurofibromatosis, type 1 (NF1). Also called: VON RECKLINGHAUSEN DISEASE; NEUROFIBROMATOSIS, TYPE I, SOMATIC; Peripheral type neurofibromatosis; Neurofibromatosis, type I. Identifiers: Orphanet 636, MedGen C0027831, MONDO:0018975, OMIM 162200. Disease mechanism: loss of function.

Submissions (7):

Ambry Genetics
Classification: Likely pathogenic for Cardiovascular phenotype; Hereditary cancer-predisposing syndrome. Last evaluated: 2026-08-10. Review status: criteria provided, single submitter. Criteria: Ambry Variant Classification Scheme 2023. Collection method: clinical testing. Allele origin: germline.
Comment: The c.1260+1G>C intronic variant results from a G to C substitution one nucleotide after coding exon 11 of the NF1 gene. Variants that disrupt the canonical splice site are expected to result in aberrant splicing. In silico splice site analysis predicts that this alteration will weaken the native splice donor site. A resulting transcript is predicted to be in-frame and is not expected to trigger nonsense-mediated mRNAdecay; although, direct evidence is unavailable. However, the region predicted to be impacted is critical for protein function (Ambry internal data). This nucleotide position is highly conserved in available vertebrate species. This variant is considered to be rare based on population cohorts in the Genome Aggregation Database (gnomAD). Based on the majority of available evidence to date, this variant is likely to be pathogenic.

Labcorp Genetics (formerly Invitae), Labcorp
Classification: Pathogenic for Neurofibromatosis, type 1. Last evaluated: 2025-05-25. Review status: criteria provided, single submitter. Criteria: Invitae Variant Classification Sherloc (09022015). Collection method: clinical testing. Allele origin: germline.
Comment: This sequence change affects a donor splice site in intron 11 of the NF1 gene. It is expected to disrupt RNA splicing. Variants that disrupt the donor or acceptor splice site typically lead to a loss of protein function (PMID: 16199547), and loss-of-function variants in NF1 are known to be pathogenic (PMID: 10712197, 23913538). This variant is not present in population databases (gnomAD no frequency). Disruption of this splice site has been observed in individual(s) with neurofibromatosis type 1 (PMID: 10677298, 16941471, 31717729). Invitae Evidence Modeling of clinical and family history, age, sex, and reported ancestry of multiple individuals with this NF1 variant has been performed. This variant is expected to be pathogenic with a positive predictive value of at least 99%. This is a validated machine learning model that incorporates the clinical features of 1,785,918 individuals referred to our laboratory for NF1 testing. ClinVar contains an entry for this variant (Variation ID: 848717). Algorithms developed to predict the effect of sequence changes on RNA splicing suggest that this variant may disrupt the consensus splice site. For these reasons, this variant has been classified as Pathogenic.

NHS Central & South Genomic Laboratory Hub
Classification: Pathogenic for Neurofibromatosis type 1. Last evaluated: 2024-11-11. Review status: criteria provided, single submitter. Criteria: ACMG Guidelines, 2015. Collection method: clinical testing. Allele origin: germline. Affected: yes.

GeneDx
Classification: Pathogenic. Last evaluated: 2023-07-20. Review status: criteria provided, single submitter. Criteria: GeneDx Variant Classification Process June 2021. Collection method: clinical testing. Allele origin: germline. Affected: yes.
Comment: Canonical splice site variant predicted to result in an in-frame loss of the adjacent exon in a gene for which loss of function is a known mechanism of disease; Deletions involving coding exons of this gene are a known mechanism of disease (HGMD); Not observed at significant frequency in large population cohorts (gnomAD); This variant is associated with the following publications: (PMID: 31717729)

Genome-Nilou Lab
Classification: Pathogenic for Neurofibromatosis, type 1. Last evaluated: 2022-03-15. Review status: criteria provided, single submitter. Criteria: ACMG Guidelines, 2015. Collection method: clinical testing. Allele origin: germline. Affected: no.

Genome Diagnostics Laboratory, The Hospital for Sick Children
Classification: Pathogenic for Neurofibromatosis, type 1. Last evaluated: 2020-10-26. Review status: criteria provided, single submitter. Criteria: ACMG Guidelines, 2015. Collection method: clinical testing. Allele origin: germline. Affected: yes.

Blueprint Genetics
Classification: Likely pathogenic for NF1-related disorders. Last evaluated: 2020-07-23. Review status: criteria provided, single submitter. Criteria: ACMG Guidelines, 2015. Collection method: clinical testing. Allele origin: germline. Affected: yes. Observed: 1 variant allele.

Literature cited by the submitters: PubMed 31717729 (cited by Ambry Genetics and Labcorp Genetics (formerly Invitae), Labcorp); PubMed 16199547 (cited by Labcorp Genetics (formerly Invitae), Labcorp); PubMed 10712197 (cited by Labcorp Genetics (formerly Invitae), Labcorp); PubMed 23913538 (cited by Labcorp Genetics (formerly Invitae), Labcorp); PubMed 10677298 (cited by Labcorp Genetics (formerly Invitae), Labcorp); PubMed 16941471 (cited by Labcorp Genetics (formerly Invitae), Labcorp).

NM_001042492.3(NF1):c.1260+1G>C

Gene: NF1 (neurofibromin 1; plus strand). Cytogenetic location: 17q11.2.
Variant type: single nucleotide variant.
Coding change: c.1260+1G>C on transcript NM_001042492.3 (MANE Select); the canonical splice donor site of the intron after coding-DNA position 1260, G replaced by C.
Molecular consequence: splice donor variant.
Genome position (GRCh38, 1-based): chr17:31,201,486, G>C. VCF-style: chr17-31201486-G-C. GRCh37 (hg19) VCF-style: chr17-29528504-G-C.
Other names: c.1260+1G>C (NM_000267.4, NM_001128147.3).
Identifiers: ClinVar variation 848717 (VCV000848717.17), dbSNP rs267606603, ClinGen allele CA398997809.
Genomic context (GRCh38, chr17:31,201,486, plus strand): 5'-AATTCACCTTCTACATTTCACTATGTGCTGGTAAATTCACTCCATCGAATCATCACCAAT[G>C]TAAGTCCAAAAGGTATTGCTAAATTACTAAAAAAATTTTTTTCTTTCTTTTCTTTGCGTA-3'